The following is an entry in ClinVar:

NM_000384.3(APOB):c.10238del (p.Thr3413fs)

Gene: APOB (apolipoprotein B; minus strand). Cytogenetic location: 2p24.1.
Variant type: Deletion.
Coding change: c.10238del on transcript NM_000384.3 (MANE Select); coding-DNA position 10238, one base deleted (C; older notation c.10238delC).
Protein change: p.Thr3413fs; shifts the reading frame from threonine 3413.
Molecular consequence: frameshift variant.
Genome position (GRCh38, 1-based): chr2:21,006,630, G deleted on the plus strand (C on the coding strand, the reverse complement: APOB is on the minus strand). VCF-style (leftmost placement, unchanged base first): chr2-21006629-AG-A. GRCh37 (hg19) VCF-style: chr2-21229501-AG-A.
Other names: c.10238delC (NM_000384.2); short protein forms T3413fs.
Identifiers: ClinVar variation 434252 (VCV000434252.28), dbSNP rs756209187, ClinGen allele CA042812.

ClinVar aggregate classification (germline): Pathogenic/Likely pathogenic. Review status: criteria provided, multiple submitters, no conflicts (2 of 4 stars). 10 submissions from 10 submitters: Pathogenic (7); Likely pathogenic (2). 1 of the submissions does not count toward it. Last evaluated 2026-08-20.

Conditions:
Hypobetalipoproteinemia. Identifiers: Orphanet 31154, MedGen C0020597, MONDO:0017774.
Familial hypobetalipoproteinemia 1. Also called: APOB-Related Familial Hypobetalipoproteinemia; Hypobetalipoproteinemia, normotriglyceridemic; Acanthocytosis with hypobetalipoproteinemia. Identifiers: MedGen C4551990, MONDO:0014252, OMIM 615558.
Hypercholesterolemia, autosomal dominant, type B (FHCL2). Also called: Familial hypercholesterolemia 2; Familial Hypercholesterolemia Type B; HYPERCHOLESTEROLEMIA, FAMILIAL, DUE TO LIGAND-DEFECTIVE APOLIPOPROTEIN B; APOB-Related Familial Hypercholesterolemia, Autosomal Dominant; APOLIPOPROTEIN B-100, FAMILIAL DEFECTIVE; APOLIPOPROTEIN B-100, FAMILIAL LIGAND-DEFECTIVE. Identifiers: MedGen C1704417, MONDO:0007751, OMIM 144010.
APOB-related disorder. Also called: APOB-related disorders; APOB-related condition.
Cardiovascular phenotype. Identifiers: MedGen CN230736.

Allele frequency attached by ClinVar (database versions not stated): gnomAD exomes below 0.00001 and 0.00002; ExAC 0.00001; TOPMed 0.00002; gnomAD 0.00003; ESP Exome Variant Server 0.00008.

Submissions (10):

Ambry Genetics
Classification: Pathogenic for Cardiovascular phenotype. Last evaluated: 2026-08-20. Review status: criteria provided, single submitter. Criteria: Ambry Variant Classification Scheme 2023. Collection method: clinical testing. Allele origin: germline.
Comment: The c.10238delC alteration, located in exon 26 (coding exon 26) of the APOB gene, consists of a deletion of one nucleotide at position 10238, causing a translational frameshift with a predicted alternate stop codon after amino acids. This variant is expected to result in loss of function by premature protein truncation or nonsense-mediated mRNA decay. for autosomal recessive APOB-related hypobetalipoproteinemia; however, it is unlikely to be causative of autosomal dominant APOB-related familial hypercholesterolemia [SF]. Based on data from gnomAD, this allele has an overall frequency of 0.001% (2/282662) total alleles studied. The highest observed frequency was 0.002% (2/129014) of European (non-Finnish) alleles. This variant has been detected in the heterozygous state in individuals with low LDL cholesterol, some of whom also had fatty liver disease (Krul et al., 1992; Vilar-Gomez et al., 2021). Based on the available evidence, this alteration is classified as pathogenic.

Labcorp Genetics (formerly Invitae), Labcorp
Classification: Pathogenic for Familial hypobetalipoproteinemia 1; Hypercholesterolemia, autosomal dominant, type B. Last evaluated: 2025-11-20. Review status: criteria provided, single submitter. Criteria: Invitae Variant Classification Sherloc (09022015). Collection method: clinical testing. Allele origin: germline.
Comment: This sequence change creates a premature translational stop signal (p.Thr3413Metfs*2) in the APOB gene. It is expected to result in an absent or disrupted protein product. Loss-of-function variants in APOB are known to be pathogenic (PMID: 20032471). This variant is present in population databases (rs756209187, gnomAD 0.002%). This premature translational stop signal has been observed in individual(s) with autosomal dominant hypobetalipoproteinemia (PMID: 1431583). This variant is also known as c.10366del. ClinVar contains an entry for this variant (Variation ID: 434252). For these reasons, this variant has been classified as Pathogenic.

GeneDx
Classification: Pathogenic. Last evaluated: 2025-06-24. Review status: criteria provided, single submitter. Criteria: GeneDx Variant Classification Process June 2021. Collection method: clinical testing. Allele origin: germline. Affected: yes.
Comment: Frameshift variant predicted to result in protein truncation or nonsense mediated decay in a gene for which loss-of-function is a known mechanism of disease; Published functional studies demonstrate a damaging effect; the frameshift variant results in truncated protein product (PMID: 1431583); Not observed at a significant frequencyin large population cohorts (gnomAD); This variant is associated with the following publications: (PMID: 34662886, 32719484, 1431583)

Revvity Omics, Revvity
Classification: Pathogenic. Last evaluated: 2022-11-21. Review status: criteria provided, single submitter. Criteria: ACMG Guidelines, 2015. Collection method: clinical testing. Allele origin: germline.

New York Genome Center
Classification: Likely pathogenic for Hypercholesterolemia, autosomal dominant, type B. Last evaluated: 2022-10-14. Review status: criteria provided, single submitter. Criteria: NYGC Assertion Criteria 2020. Collection method: clinical testing. Allele origin: inherited. Observed: 1 heterozygote. Study: PrenatalSEQ.
Comment: The heterozygous c.10238del variant in APOB has previously been reported in individuals with associated familial hypercholesterolemia [PMID: 32719484] and it has been deposited in ClinVar (Var ID: 434252) as Pathogenic/Likely pathogenic. The c.10238del variant is observed in 7 alleles (~0.0011% minor allele frequency with 0 homozygotes) in population databases (gnomAD v2.1.1 and v3.1.2, TOPMed Freeze 8), suggesting it is not a common benign variant in the populations represented in those databases. The c.10238del variant in APOB is located in exon 26 of this 29-exon gene, predicted to incorporate a premature termination codon (p.(Thr3413MetfsTer2)), and is expected to result in loss-of-function via nonsense mediated decay. Multiple loss-of-function variants that are downstream to the c.10238del variant have been reported in ClinVar or literature in affected individuals. Based on available evidence this inherited c.10238del, p.(Thr3413MetfsTer2) variant identified in APOB is classified as Likely Pathogenic.

Fulgent Genetics
Classification: Pathogenic for Hypercholesterolemia, autosomal dominant, type B; Familial hypobetalipoproteinemia 1. Last evaluated: 2021-10-17. Review status: criteria provided, single submitter. Criteria: ACMG Guidelines, 2015. Collection method: clinical testing. Allele origin: unknown.

Broad Center for Mendelian Genomics, Broad Institute of MIT and Harvard
Classification: Likely pathogenic for Familial hypobetalipoproteinemia 1. Last evaluated: 2020-01-22. Review status: criteria provided, single submitter. Criteria: ACMG Guidelines, 2015. Collection method: curation. Allele origin: germline. Inheritance: Autosomal recessive inheritance.
Comment: The p.Thr3413Metfs variant in APOB has not been previously reported in individuals with low LDL but has been identified in in 0.00155% (2/129014) of European (non-Finnish) chromosomes by the Genome Aggregation Database (gnomAD; dbSNP rs756209187). This variant has also been reported in ClinVar (VariationID: 434252) as pathogenic by the University of Chicago. This variant is predicted to cause a frameshift, which alters the protein's amino acid sequence beginning at position 3413 and leads to a premature termination codon 2 amino acids downstream. This alteration is then predicted to lead to a truncated or absent protein. Loss of function of the APOB gene is an established disease mechanism in autosomal recessive low LDL. In summary, although additional studies are required to fully establish its clinical significance, this variant is likely pathogenic. ACMG/AMP Criteria applied: PM2, PVS1 (Richards 2015).

Genetic Services Laboratory, University of Chicago
Classification: Pathogenic for Hypobetalipoproteinemia. Last evaluated: 2016-04-29. Review status: criteria provided, single submitter. Criteria: ACMG Guidelines, 2015. Collection method: clinical testing. Allele origin: germline. Affected: yes.

Rady Children's Institute for Genomic Medicine, Rady Children's Hospital San Diego
Classification: Pathogenic for Hypobetalipoproteinemia. Review status: criteria provided, single submitter. Criteria: ACMG Guidelines, 2015. Collection method: clinical testing. Allele origin: germline. Affected: yes.
Comment: This variant is also referred to as c.10366del in the literature. This frameshifting variant in exon 26 of 29 introduces a premature stop codon and is therefore predicted to result in loss of normal protein function through either protein truncation or nonsense-mediated mRNA decay (NMD). This variant has been previously reported as a heterozygous change in patients with Hypobetalipoproteinemia (PMID: 1431583). Loss-of-function variation in APOB is an established mechanism of disease (PMID: 30939045). Experimental studies have shown that this c.10238del (p.Thr3413MetfsTer2) change results in decreased LDL-cholesterol levels and reduced APOB protein concentrations (PMID: 1431583). The c.10238del (p.Thr3413MetfsTer2) variant is present in the heterozygous state in the gnomAD population database at a frequency of 0.0007% (2/282662) and thus is presumed to be rare. Based on the available evidence, the c.10238del (p.Thr3413MetfsTer2) variant is classified as Pathogenic.

PreventionGenetics, part of Exact Sciences
Classification: Pathogenic for APOB-related condition. Last evaluated: 2024-05-17. Review status: no assertion criteria provided. Collection method: clinical testing. Allele origin: germline. Not counted in ClinVar's aggregate classification.
Comment: The APOB c.10238delC variant is predicted to result in a frameshift and premature protein termination (p.Thr3413Metfs*2). This variant has been reported to segregate with disease in a three-generation family with hypobetalipoproteinemia (Krul et al. 1992. PubMed ID: 1431583). It has also been reported in individuals with nonalcoholic fatty liver disease (Vilar-Gomez et al. 2021. PubMed ID: 33454241). This variant is reported in 0.0016% of alleles in individuals of European (non-Finnish) descent in gnomAD. Frameshift variants in APOB are expected to be pathogenic and this variant has been interpreted as pathogenic and likely pathogenic by other laboratories in the ClinVar database. This variant is interpreted as pathogenic.

Literature cited by the submitters: PubMed 1431583 (cited by Ambry Genetics and Labcorp Genetics (formerly Invitae), Labcorp); PubMed 33454241 (cited by Ambry Genetics); PubMed 37593691 (cited by Ambry Genetics); PubMed 20032471 (cited by Labcorp Genetics (formerly Invitae), Labcorp); PubMed 32719484 (cited by New York Genome Center).